The following is an entry in ClinVar:

ClinVar aggregate classification (germline): Likely benign (1 of 4 stars; one submission).

Submission:

CeGaT Center for Human Genetics Tuebingen
Classification: Likely benign. Last evaluated: 2026-08-01. Review status: criteria provided, single submitter. Criteria: CeGaT Center For Human Genetics Tuebingen Variant Classification Criteria Version 2. Collection method: clinical testing. Allele origin: germline. Affected: yes. Observed: 6 variant alleles.
Comment: GNAS: BS1

NM_080425.4(GNAS):c.2069-5414GAA[7]

Gene: GNAS (GNAS complex locus; plus strand). Cytogenetic location: 20q13.32.
Variant type: Microsatellite.
Coding change: c.2069-5414GAA[7] on transcript NM_080425.4 (MANE Plus Clinical); seven copies in a row of the 3-base unit GAA starting at c.2069-5414.
Molecular consequence: intron variant.
Genome position: GRCh38 VCF-style: chr20-58890197-T-TGAA. GRCh37 (hg19) VCF-style: chr20-57465252-T-TGAA.
Other names: c.-39+845GAA[7] (NM_001309840.2, NM_001438273.1); c.*43-5414GAA[7] (NM_016592.5); c.44-5414GAA[7] (NM_001410912.1); c.-38-5414GAA[7] (NM_001309861.2); c.*1-5414GAA[7] (NM_001077490.3); c.2069-5414GAA[7] (NM_001410913.1); c.*159-5414GAA[7] (NM_001309883.1); c.-39+866GAA[7] (NM_001439291.1, NM_001438274.1).
Identifiers: ClinVar variation 3388362 (VCV003388362.14).
Genomic context (GRCh38, chr20:58,890,197, plus strand): 5'-AGCAGAGGCGAAAGGAGGAGAAGAAGAAGGAGAAGGAGAGGAAGAAGATGGAGAAGATGC[T>TGAA]GAAGAAGAAGAAGAAGAAGGTGCCAGAAGCCCAGGAGGAGGCCCGATGCCCCGAGGCCGC-3'